The following is an entry in ClinVar:

NM_002439.5(MSH3):c.*7G>A

Gene: MSH3 (mutS homolog 3; plus strand). Cytogenetic location: 5q14.1.
Variant type: single nucleotide variant.
Coding change: c.*7G>A on transcript NM_002439.5 (MANE Select); 7 bases downstream of the stop codon, G replaced by A.
Molecular consequence: 3 prime UTR variant.
Genome position (GRCh38, 1-based): chr5:80,875,869, G>A. VCF-style: chr5-80875869-G-A. GRCh37 (hg19) VCF-style: chr5-80171688-G-A.
Identifiers: ClinVar variation 3346752 (VCV003346752.1).

ClinVar aggregate classification (germline): Likely benign (0 of 4 stars; one submission).

Conditions:
MSH3-related disorder. Also called: MSH3-related condition.

gnomAD v4.1: 4 of 1,535,312 alleles (0.00026%); highest among the groups gnomAD compares: Non-Finnish European, 0.00036%; no homozygotes.

Submission:

PreventionGenetics, part of Exact Sciences
Classification: Likely benign for MSH3-related condition. Last evaluated: 2024-04-24. Review status: no assertion criteria provided. Collection method: clinical testing. Allele origin: germline.
Comment: This variant is classified as likely benign based on ACMG/AMP sequence variant interpretation guidelines (Richards et al. 2015 PMID: 25741868, with internal and published modifications).